The following is an entry in ClinVar:

ClinVar aggregate classification (germline): Uncertain significance (1 of 4 stars; one submission).

Conditions:
Familial encephalopathy with neuroserpin inclusion bodies. Also called: ENCEPHALOPATHY, FAMILIAL, WITH COLLINS BODIES. Identifiers: Orphanet 85110, MedGen C1858680, MONDO:0011412, OMIM 604218.

gnomAD v4.1: 1 of 1,614,170 alleles (0.000062%); highest among the groups gnomAD compares: African/African-American, 0.0013%; no homozygotes.

Submission:

Labcorp Genetics (formerly Invitae), Labcorp
Classification: Uncertain significance for Familial encephalopathy with neuroserpin inclusion bodies. Last evaluated: 2024-05-28. Review status: criteria provided, single submitter. Criteria: Invitae Variant Classification Sherloc (09022015). Collection method: clinical testing. Allele origin: germline.
Comment: This sequence change replaces glycine, which is neutral and non-polar, with aspartic acid, which is acidic and polar, at codon 41 of the SERPINI1 protein (p.Gly41Asp). This variant is not present in population databases (gnomAD no frequency). This variant has not been reported in the literature in individuals affected with SERPINI1-related conditions. Advanced modeling of protein sequence and biophysical properties (such as structural, functional, and spatial information, amino acid conservation, physicochemical variation, residue mobility, and thermodynamic stability) performed at Invitae indicates that this missense variant is not expected to disrupt SERPINI1 protein function with a negative predictive value of 80%. In summary, the available evidence is currently insufficient to determine the role of this variant in disease. Therefore, it has been classified as a Variant of Uncertain Significance.

NM_001122752.2(SERPINI1):c.122G>A (p.Gly41Asp)

Gene: SERPINI1 (serpin family I member 1; plus strand). Cytogenetic location: 3q26.1.
Variant type: single nucleotide variant.
Coding change: c.122G>A on transcript NM_001122752.2 (MANE Select); coding-DNA position 122, G replaced by A.
Protein change: p.Gly41Asp; replaces glycine 41 with aspartic acid.
Molecular consequence: missense variant.
Genome position (GRCh38, 1-based): chr3:167,789,250, G>A. VCF-style: chr3-167789250-G-A. GRCh37 (hg19) VCF-style: chr3-167507038-G-A.
Other names: c.122G>A, p.Gly41Asp (NM_005025.5); short protein forms G41D.
Identifiers: ClinVar variation 3674580 (VCV003674580.2).